The following is an entry in ClinVar:

NM_003002.4(SDHD):c.90_96del (p.His30fs)

Gene: SDHD (succinate dehydrogenase complex subunit D; plus strand). Cytogenetic location: 11q23.1.
Variant type: Deletion.
Coding change: c.90_96del on transcript NM_003002.4 (MANE Select); coding-DNA positions 90 to 96, 7 bases deleted (TATCTCA; older notation c.90_96delTATCTCA).
Protein change: p.His30fs; shifts the reading frame from histidine 30.
Molecular consequence: frameshift variant. On other transcripts: non-coding transcript variant (1), intron variant (1).
Genome position (GRCh38, 1-based): chr11:112,087,894-112,087,900, TATCTCA deleted; deleting any 7 consecutive bases within chr11:112,087,890-112,087,900 gives the same sequence; the c. name uses the placement nearest the transcript's 3' end. VCF-style (leftmost placement, unchanged base first): chr11-112087889-GCTCATAT-G. GRCh37 (hg19) VCF-style: chr11-111958613-GCTCATAT-G.
Other names: c.90_96del, p.His30fs (NM_001276503.2, NM_001276506.2); c.52+935_52+941del (NM_001276504.2); short protein forms H30fs.
Identifiers: ClinVar variation 1765433 (VCV001765433.2), dbSNP rs2498899719, ClinGen allele CA2580083440.

ClinVar aggregate classification (germline): Pathogenic (1 of 4 stars; one submission).

Conditions:
Hereditary cancer-predisposing syndrome. Also called: Neoplastic Syndromes, Hereditary; Tumor predisposition; Hereditary Cancer Syndrome; Hereditary neoplastic syndrome. Identifiers: Orphanet 140162, MedGen C0027672, MeSH D009386, MONDO:0015356.

Submission:

Ambry Genetics
Classification: Pathogenic for Hereditary cancer-predisposing syndrome. Last evaluated: 2022-06-06. Review status: criteria provided, single submitter. Criteria: Ambry Variant Classification Scheme 2023. Collection method: clinical testing. Allele origin: germline.
Comment: The c.90_96delTATCTCA pathogenic mutation, located in coding exon 2 of the SDHD gene, results from a deletion of 7 nucleotides at nucleotide positions 90 to 96, causing a translational frameshift with a predicted alternate stop codon (p.H30Qfs*54). This alteration has been observed in at least one individual with a personal and/or family history that is consistent with SDHD-related disease (Ambry internal data). This variant is considered to be rare based on population cohorts in the Genome Aggregation Database (gnomAD). This alteration is expected to result in loss of function by premature protein truncation or nonsense-mediated mRNA decay. As such, this alteration is interpreted as a disease-causing mutation.